The following is an entry in ClinVar:

NM_001481.3(DRC4):c.476T>A (p.Val159Glu)

Gene: DRC4 (dynein regulatory complex subunit 4; plus strand). Cytogenetic location: 16q24.3.
Variant type: single nucleotide variant.
Coding change: c.476T>A on transcript NM_001481.3 (MANE Select); coding-DNA position 476, T replaced by A.
Protein change: p.Val159Glu; replaces valine 159 with glutamic acid.
Molecular consequence: missense variant. On other transcripts: 5 prime UTR variant (1).
Genome position (GRCh38, 1-based): chr16:90,032,905, T>A. VCF-style: chr16-90032905-T-A. GRCh37 (hg19) VCF-style: chr16-90099313-T-A.
Other names: c.227T>A, p.Val76Glu (NM_001286205.2); c.-46T>A (NM_001286208.2); c.401T>A, p.Val134Glu (NM_001286209.2); short protein forms V134E, V159E, V76E.
Identifiers: ClinVar variation 475565 (VCV000475565.15), dbSNP rs116113385, ClinGen allele CA8257806.

ClinVar aggregate classification (germline): Benign. Review status: criteria provided, single submitter (1 of 4 stars). 2 submissions from 2 submitters: Benign (1). 1 of the submissions does not count toward it. Last evaluated 2026-02-01.

Conditions:
GAS8-related disorder. Also called: GAS8-related condition.
Primary ciliary dyskinesia 33. Also called: CILIARY DYSKINESIA, PRIMARY, 33, WITHOUT SITUS INVERSUS. Identifiers: Orphanet 244, MedGen C4225230, MONDO:0014750, OMIM 616726.

Allele frequency attached by ClinVar (database versions not stated): gnomAD exomes 0.00043 and 0.00118; ExAC 0.00148; 1000 Genomes Project 0.00439; ESP Exome Variant Server 0.00462; gnomAD 0.00481 and 0.00525; 1000 Genomes Project 30x 0.00500; TOPMed 0.00539.
gnomAD v4.1: 1,381 of 1,613,424 alleles (0.086%); highest among the groups gnomAD compares: African/African-American, 1.6%; 7 homozygotes.

Submissions (11):

Labcorp Genetics (formerly Invitae), Labcorp
Classification: Benign for Primary ciliary dyskinesia 33. Last evaluated: 2026-02-01. Review status: criteria provided, single submitter. Criteria: Invitae Variant Classification Sherloc (09022015). Collection method: clinical testing. Allele origin: germline.

PreventionGenetics, part of Exact Sciences
Classification: Likely benign for GAS8-related condition. Last evaluated: 2019-12-19. Review status: no assertion criteria provided. Collection method: clinical testing. Allele origin: germline. Not counted in ClinVar's aggregate classification.
Comment: This variant is classified as likely benign based on ACMG/AMP sequence variant interpretation guidelines (Richards et al. 2015 PMID: 25741868, with internal and published modifications).

Dr. Peter K. Rogan Lab, Western University
No classification provided (evidence only). Condition: Clear cell carcinoma of kidney. Review status: no classification provided. Collection method: in vitro. Allele origin: not applicable. Functional consequence: cryptic splice site, retained intron. Not counted in ClinVar's aggregate classification.

Dr. Peter K. Rogan Lab, Western University
No classification provided (evidence only). Condition: Lung cancer. Review status: no classification provided. Collection method: in vitro. Allele origin: not applicable. Functional consequence: cryptic splice site. Not counted in ClinVar's aggregate classification.

Dr. Peter K. Rogan Lab, Western University
No classification provided (evidence only). Condition: Familial cancer of breast. Review status: no classification provided. Collection method: in vitro. Allele origin: not applicable. Functional consequence: retained intron. Not counted in ClinVar's aggregate classification.

Dr. Peter K. Rogan Lab, Western University
No classification provided (evidence only). Condition: Familial cancer of breast. Review status: no classification provided. Collection method: in vitro. Allele origin: not applicable. Functional consequence: retained intron. Not counted in ClinVar's aggregate classification.

Dr. Peter K. Rogan Lab, Western University
No classification provided (evidence only). Condition: Sarcoma. Review status: no classification provided. Collection method: in vitro. Allele origin: not applicable. Functional consequence: retained intron. Not counted in ClinVar's aggregate classification.

Dr. Peter K. Rogan Lab, Western University
No classification provided (evidence only). Condition: Nonpapillary renal cell carcinoma. Review status: no classification provided. Collection method: in vitro. Allele origin: not applicable. Functional consequence: retained intron. Not counted in ClinVar's aggregate classification.

Dr. Peter K. Rogan Lab, Western University
No classification provided (evidence only). Condition: Thymoma. Review status: no classification provided. Collection method: in vitro. Allele origin: not applicable. Functional consequence: retained intron. Not counted in ClinVar's aggregate classification.

Dr. Peter K. Rogan Lab, Western University
No classification provided (evidence only). Condition: Ovarian serous cystadenocarcinoma. Review status: no classification provided. Collection method: in vitro. Allele origin: not applicable. Functional consequence: retained intron. Not counted in ClinVar's aggregate classification.

Dr. Peter K. Rogan Lab, Western University
No classification provided (evidence only). Condition: Uterine carcinosarcoma. Review status: no classification provided. Collection method: in vitro. Allele origin: not applicable. Functional consequence: cryptic splice site. Not counted in ClinVar's aggregate classification.